The following is an entry in ClinVar:

ClinVar aggregate classification (germline): Uncertain significance (1 of 4 stars; one submission).

Conditions:
Hereditary cancer-predisposing syndrome. Also called: Hereditary Cancer Syndrome; Hereditary neoplastic syndrome; Neoplastic Syndromes, Hereditary; Tumor predisposition. Identifiers: Orphanet 140162, MedGen C0027672, MeSH D009386, MONDO:0015356.

Submission:

Ambry Genetics
Classification: Uncertain significance for Hereditary cancer-predisposing syndrome. Last evaluated: 2021-07-21. Review status: criteria provided, single submitter. Criteria: Ambry Variant Classification Scheme 2023. Collection method: clinical testing. Allele origin: germline.
Comment: The p.M512V variant (also known as c.1534A>G), located in coding exon 10 of the FLCN gene, results from an A to G substitution at nucleotide position 1534. The methionine at codon 512 is replaced by valine, an amino acid with highly similar properties. This amino acid position is highly conserved in available vertebrate species. In addition, this alteration is predicted to be deleterious by in silico analysis. Since supporting evidence is limited at this time, the clinical significance of this alteration remains unclear.

NM_144997.7(FLCN):c.1534A>G (p.Met512Val)

Gene: FLCN (folliculin; minus strand). Cytogenetic location: 17p11.2.
Variant type: single nucleotide variant.
Coding change: c.1534A>G on transcript NM_144997.7 (MANE Select); coding-DNA position 1534, A replaced by G.
Protein change: p.Met512Val; replaces methionine 512 with valine.
Molecular consequence: missense variant.
Genome position (GRCh38, 1-based): chr17:17,214,989, T>C on the plus strand (A>G on the coding strand, the complement: FLCN is on the minus strand). VCF-style: chr17-17214989-T-C. GRCh37 (hg19) VCF-style: chr17-17118303-T-C.
Other names: c.1588A>G, p.Met530Val (NM_001353229.2); c.1534A>G, p.Met512Val (NM_001353230.2, NM_001353231.2); short protein forms M512V, M530V.
Identifiers: ClinVar variation 1774687 (VCV001774687.2), dbSNP rs2544140489, ClinGen allele CA398530680.
Genomic context (GRCh38, chr17:17,214,989, plus strand): 5'-CTCCAGGTTTTCTCCAGGGTCGCAAGCAAAGGGGCCTCACCCACACTGTTGCTTACTTCA[T>C]CCACTCCTCCTTGAGGCAGACGAGGCACTGGTCCACCACATCCACAGACAGGTTCTGGTT-3'
Protein context (NP_659434.2, residues 502-522): QCLVCLKEEW[Met512Val]NKVKVLFKFT